The following is an entry in ClinVar:

ClinVar aggregate classification (germline): Likely benign (1 of 4 stars; one submission).

Submission:

CeGaT Center for Human Genetics Tuebingen
Classification: Likely benign. Last evaluated: 2025-05-01. Review status: criteria provided, single submitter. Criteria: CeGaT Center For Human Genetics Tuebingen Variant Classification Criteria Version 2. Collection method: clinical testing. Allele origin: germline. Affected: yes. Observed: 1 variant allele.
Comment: CRIPAK: BP4, BP7

NC_000004.12:g.1395306C>G

Genes: CRIPAK (cysteine rich PAK1 inhibitor; plus strand), UVSSA (UV stimulated scaffold protein A; plus strand), LOC126806945 (P300/CBP strongly-dependent group 1 enhancer GRCh37_chr4:1388225-1389424; plus strand). Cytogenetic location: 4p16.3.
Variant type: single nucleotide variant.
Genome position: GRCh38 VCF-style: chr4-1395306-C-G. GRCh37 (hg19) VCF-style: chr4-1389094-C-G.
Identifiers: ClinVar variation 3905098 (VCV003905098.10).
Genomic context (GRCh38, chr4:1,395,306, plus strand): 5'-CATGTGGAGTGCCCGCCTGCTCACGTGCCGATGTGGAGTGCCCGCCTGCTCACACGTGCC[C>G]ATGTGGAGTGCCCGCCTGCTCACGTGCCGATGTGGGGTGCCCGCCTGCTCACATGTGCCG-3'